The following is an entry in ClinVar:

ClinVar aggregate classification (germline): Uncertain significance. Review status: criteria provided, multiple submitters, no conflicts (2 of 4 stars). 2 submissions from 2 submitters: Uncertain significance (2). Last evaluated 2025-01-19.

Conditions:
Inborn genetic diseases. Identifiers: MedGen C0950123, MeSH D030342.

gnomAD v4.1: 2 of 1,453,886 alleles (0.00014%); highest among the groups gnomAD compares: Non-Finnish European, 0.00018%; no homozygotes.

Submissions (2):

Ambry Genetics
Classification: Uncertain significance for Inborn genetic diseases. Last evaluated: 2025-01-19. Review status: criteria provided, single submitter. Criteria: Ambry Variant Classification Scheme 2023. Collection method: clinical testing. Allele origin: germline.

Labcorp Genetics (formerly Invitae), Labcorp
Classification: Uncertain significance. Last evaluated: 2024-11-19. Review status: criteria provided, single submitter. Criteria: Invitae Variant Classification Sherloc (09022015). Collection method: clinical testing. Allele origin: germline.
Comment: This sequence change replaces glycine, which is neutral and non-polar, with tryptophan, which is neutral and slightly polar, at codon 332 of the PRDM13 protein (p.Gly332Trp). This variant is present in population databases (no rsID available, gnomAD 0.006%). This variant has not been reported in the literature in individuals affected with PRDM13-related conditions. An algorithm developed to predict the effect of missense changes on protein structure and function (PolyPhen-2) suggests that this variant is likely to be disruptive. In summary, the available evidence is currently insufficient to determine the role of this variant in disease. Therefore, it has been classified as a Variant of Uncertain Significance.

NM_021620.4(PRDM13):c.994G>T (p.Gly332Trp)

Genes: PRDM13 (PR/SET domain 13; plus strand), LOC129996881 (ATAC-STARR-seq lymphoblastoid silent region 17422; plus strand). Cytogenetic location: 6q16.2.
Variant type: single nucleotide variant.
Coding change: c.994G>T on transcript NM_021620.4 (MANE Select); coding-DNA position 994, G replaced by T.
Protein change: p.Gly332Trp; replaces glycine 332 with tryptophan.
Molecular consequence: missense variant.
Genome position (GRCh38, 1-based): chr6:99,613,629, G>T. VCF-style: chr6-99613629-G-T. GRCh37 (hg19) VCF-style: chr6-100061505-G-T.
Other names: c.994G>T (NM_021620.3); short protein forms G332W.
Identifiers: ClinVar variation 3675414 (VCV003675414.3).